The following is an entry in ClinVar:

ClinVar aggregate classification (germline): Uncertain significance (1 of 4 stars; one submission).

Conditions:
Hereditary cancer-predisposing syndrome. Also called: Neoplastic Syndromes, Hereditary; Tumor predisposition; Hereditary Cancer Syndrome; Hereditary neoplastic syndrome. Identifiers: Orphanet 140162, MedGen C0027672, MeSH D009386, MONDO:0015356.

Submission:

Ambry Genetics
Classification: Uncertain significance for Hereditary cancer-predisposing syndrome. Last evaluated: 2026-01-20. Review status: criteria provided, single submitter. Criteria: Ambry Variant Classification Scheme 2023. Collection method: clinical testing. Allele origin: germline.
Comment: The p.Q613R variant (also known as c.1838A>G), located in coding exon 14 of the SDHA gene, results from an A to G substitution at nucleotide position 1838. The glutamine at codon 613 is replaced by arginine, an amino acid with highly similar properties. This amino acid position is conserved. In addition, this alteration is predicted to be tolerated by in silico analysis. Based on the available evidence, the clinical significance of this variant remains unclear.

NM_004168.4(SDHA):c.1838A>G (p.Gln613Arg)

Gene: SDHA (succinate dehydrogenase complex flavoprotein subunit A; plus strand). Cytogenetic location: 5p15.33.
Variant type: single nucleotide variant.
Coding change: c.1838A>G on transcript NM_004168.4 (MANE Select); coding-DNA position 1838, A replaced by G.
Protein change: p.Gln613Arg; replaces glutamine 613 with arginine.
Molecular consequence: missense variant.
Genome position (GRCh38, 1-based): chr5:254,436, A>G. VCF-style: chr5-254436-A-G. GRCh37 (hg19) VCF-style: chr5-254551-A-G.
Other names: c.1694A>G, p.Gln565Arg (NM_001294332.2); c.1595A>G, p.Gln532Arg (NM_001330758.2); short protein forms Q565R, Q532R, Q613R.
Identifiers: ClinVar variation 4838854 (VCV004838854.1).
Genomic context (GRCh38, chr5:254,436, plus strand): 5'-GGTGTTTCTGGCCTCAGGTGCGGATTGATGAGTACGATTACTCCAAGCCCATCCAGGGGC[A>G]ACAGAAGAAGCCCTTTGAGGAGCACTGGAGGAAGCACACCCTGTCCTATGTGGACGTTGG-3'
Protein context (NP_004159.2, residues 603-623): EYDYSKPIQG[Gln613Arg]QKKPFEEHWR